The following is an entry in ClinVar:

NM_001256789.3(CACNA1F):c.5651C>G (p.Ala1884Gly)

Gene: CACNA1F (calcium voltage-gated channel subunit alpha1 F; minus strand). Cytogenetic location: Xp11.23.
Variant type: single nucleotide variant.
Coding change: c.5651C>G on transcript NM_001256789.3 (MANE Select); coding-DNA position 5651, C replaced by G.
Protein change: p.Ala1884Gly; replaces alanine 1884 with glycine.
Molecular consequence: missense variant.
Genome position (GRCh38, 1-based): chrX:49,205,635, G>C on the plus strand (C>G on the coding strand, the complement: CACNA1F is on the minus strand). VCF-style: chrX-49205635-G-C. GRCh37 (hg19) VCF-style: chrX-49062095-G-C.
Other names: c.5684C>G (NM_005183.2); c.5489C>G, p.Ala1830Gly (NM_001256790.3); c.5684C>G, p.Ala1895Gly (NM_005183.4); short protein forms A1830G, A1884G, A1895G.
Identifiers: ClinVar variation 2857058 (VCV002857058.5), dbSNP rs2520670085, ClinGen allele CA412956810.

ClinVar aggregate classification (germline): Uncertain significance. Review status: criteria provided, multiple submitters, no conflicts (2 of 4 stars). 3 submissions from 3 submitters: Uncertain significance (3). Last evaluated 2024-12-31.

Conditions:
Inborn genetic diseases. Identifiers: MedGen C0950123, MeSH D030342.

Allele frequency attached by ClinVar (database versions not stated): gnomAD exomes below 0.00001.
gnomAD v4.1: 2 of 1,204,336 alleles (0.00017%); highest among the groups gnomAD compares: Non-Finnish European, 0.00022%; no homozygotes.

Submissions (3):

Ambry Genetics
Classification: Uncertain significance for Inborn genetic diseases. Last evaluated: 2024-12-31. Review status: criteria provided, single submitter. Criteria: Ambry Variant Classification Scheme 2023. Collection method: clinical testing. Allele origin: germline.

Labcorp Genetics (formerly Invitae), Labcorp
Classification: Uncertain significance. Last evaluated: 2023-04-17. Review status: criteria provided, single submitter. Criteria: Invitae Variant Classification Sherloc (09022015). Collection method: clinical testing. Allele origin: germline.
Comment: This sequence change replaces alanine, which is neutral and non-polar, with glycine, which is neutral and non-polar, at codon 1895 of the CACNA1F protein (p.Ala1895Gly). This variant is not present in population databases (gnomAD no frequency). This variant has not been reported in the literature in individuals affected with CACNA1F-related conditions. An algorithm developed to predict the effect of missense changes on protein structure and function (PolyPhen-2) suggests that this variant is likely to be tolerated. In summary, the available evidence is currently insufficient to determine the role of this variant in disease. Therefore, it has been classified as a Variant of Uncertain Significance.

Blueprint Genetics
Classification: Uncertain significance. Last evaluated: 2019-06-26. Review status: criteria provided, single submitter. Criteria: ACMG Guidelines, 2015. Collection method: clinical testing. Allele origin: germline.